The following is an entry in ClinVar:

ClinVar aggregate classification (germline): Uncertain significance (1 of 4 stars; one submission).

Allele frequency attached by ClinVar (database versions not stated): gnomAD exomes below 0.00001.
gnomAD v4.1: 1 of 1,614,012 alleles (0.000062%); highest among the groups gnomAD compares: Admixed American, 0.0017%; no homozygotes.

Submission:

Labcorp Genetics (formerly Invitae), Labcorp
Classification: Uncertain significance. Last evaluated: 2024-03-14. Review status: criteria provided, single submitter. Criteria: Invitae Variant Classification Sherloc (09022015). Collection method: clinical testing. Allele origin: germline.
Comment: This sequence change replaces histidine with arginine at codon 625 of the PIAS1 protein (p.His625Arg). The histidine residue is highly conserved and there is a small physicochemical difference between histidine and arginine. This variant is present in population databases (no rsID available, gnomAD 0.003%). This variant has not been reported in the literature in individuals affected with PIAS1-related conditions. ClinVar contains an entry for this variant (Variation ID: 1505490). An algorithm developed to predict the effect of missense changes on protein structure and function (PolyPhen-2) suggests that this variant is likely to be tolerated. In summary, the available evidence is currently insufficient to determine the role of this variant in disease. Therefore, it has been classified as a Variant of Uncertain Significance.

NM_016166.3(PIAS1):c.1874A>G (p.His625Arg)

Gene: PIAS1 (protein inhibitor of activated STAT 1; plus strand). Cytogenetic location: 15q23.
Variant type: single nucleotide variant.
Coding change: c.1874A>G on transcript NM_016166.3 (MANE Select); coding-DNA position 1874, A replaced by G.
Protein change: p.His625Arg; replaces histidine 625 with arginine.
Molecular consequence: missense variant.
Genome position (GRCh38, 1-based): chr15:68,187,753, A>G. VCF-style: chr15-68187753-A-G. GRCh37 (hg19) VCF-style: chr15-68480091-A-G.
Other names: c.1880A>G, p.His627Arg (NM_001320687.1); short protein forms H627R, H625R.
Identifiers: ClinVar variation 1505490 (VCV001505490.6), dbSNP rs1426056417, ClinGen allele CA393214681.
Genomic context (GRCh38, chr15:68,187,753, plus strand): 5'-ATGGAAGCAGTAGTGGCAGTAACAGCAGCCTGGTTTCTTCCAACAGCCTAAGGGAAAGCC[A>G]TAGCCACACCGTCACAAACAGGAGCAGCACGGACACGGCATCCATCTTTGGCATCATACC-3'
Protein context (NP_057250.1, residues 615-635): LVSSNSLRES[His625Arg]SHTVTNRSST